The following is an entry in ClinVar:

NM_001355436.2(SPTB):c.3829C>T (p.Gln1277Ter)

Gene: SPTB (spectrin beta, erythrocytic; minus strand). Cytogenetic location: 14q23.3.
Variant type: single nucleotide variant.
Coding change: c.3829C>T on transcript NM_001355436.2 (MANE Select); coding-DNA position 3829, C replaced by T.
Protein change: p.Gln1277Ter; replaces glutamine 1277 with a stop codon.
Molecular consequence: nonsense.
Genome position (GRCh38, 1-based): chr14:64,785,563, G>A on the plus strand (C>T on the coding strand, the complement: SPTB is on the minus strand). VCF-style: chr14-64785563-G-A. GRCh37 (hg19) VCF-style: chr14-65252281-G-A.
Other names: c.3829C>T, p.Gln1277Ter (NM_001024858.4, NM_001355437.2); short protein forms Q1277*.
Identifiers: ClinVar variation 3241958 (VCV003241958.3), dbSNP rs2503119393.

ClinVar aggregate classification (germline): Likely pathogenic. Review status: criteria provided, multiple submitters, no conflicts (2 of 4 stars). 2 submissions from 2 submitters: Likely pathogenic (2). Last evaluated 2024-11-22.

Conditions:
Hereditary spherocytosis type 2. Also called: SPHEROCYTOSIS, TYPE 2, AUTOSOMAL DOMINANT. Identifiers: Orphanet 822, MedGen C2674219, MONDO:0000913, OMIM 616649.

Submissions (2):

Revvity Omics, Revvity
Classification: Likely pathogenic. Last evaluated: 2024-11-22. Review status: criteria provided, single submitter. Criteria: ACMG Guidelines, 2015. Collection method: clinical testing. Allele origin: germline.

MVZ Dr. Eberhard & Partner Dortmund
Classification: Likely pathogenic for Hereditary spherocytosis type 2. Last evaluated: 2024-06-05. Review status: criteria provided, single submitter. Criteria: ACMG Guidelines, 2015. Collection method: clinical testing. Allele origin: unknown. Inheritance: Autosomal dominant inheritance.
Comment: The substitution of C to T leads to a premature STOP codon at Gln1277. Due to the nonsense variant and the possibility of nonsense mediated decay, a null variant with loss of function is created in a gene where loss of function is a common mechanism of disease. This variant is absent from controls in the Genome Aggregation Database. This variant is considered be likely pathogenic according to the ACMG guidelines.